The following is an entry in ClinVar:

NM_001040151.2(SCN3B):c.173C>T (p.Thr58Met)

Gene: SCN3B (sodium voltage-gated channel beta subunit 3; minus strand). Cytogenetic location: 11q24.1.
Variant type: single nucleotide variant.
Coding change: c.173C>T on transcript NM_001040151.2 (MANE Select); coding-DNA position 173, C replaced by T.
Protein change: p.Thr58Met; replaces threonine 58 with methionine.
Molecular consequence: missense variant.
Genome position (GRCh38, 1-based): chr11:123,645,633, G>A on the plus strand (C>T on the coding strand, the complement: SCN3B is on the minus strand). VCF-style: chr11-123645633-G-A. GRCh37 (hg19) VCF-style: chr11-123516341-G-A.
Other names: c.173C>T, p.Thr58Met (NM_018400.4); short protein forms T58M.
Identifiers: ClinVar variation 2741306 (VCV002741306.3), dbSNP rs771250397, ClinGen allele CA6334073.
Genomic context (GRCh38, chr11:123,645,633, plus strand): 5'-GCAGTCTAACATACAAGGAAATCTTTACCGCCCTCGGGCCTGTAGAACCATTCCACCACC[G>A]TGGTGGCCTCCACCTCCTCTCTCTTCATGCAGGAGATGCAGCGCAGCTTCATGGGGTTGC-3'
Protein context (NP_001035241.1, residues 48-68): CMKREEVEAT[Thr58Met]VVEWFYRPEG

ClinVar aggregate classification (germline): Uncertain significance (1 of 4 stars; one submission).

Conditions:
Brugada syndrome 7 (BRGDA7). Identifiers: Orphanet 130, MedGen C2751088, MONDO:0013146, OMIM 613120.

Allele frequency attached by ClinVar (database versions not stated): ExAC 0.00002; gnomAD exomes 0.00001; TOPMed 0.00001.
gnomAD v4.1: 8 of 1,614,128 alleles (0.0005%); highest among the groups gnomAD compares: Non-Finnish European, 0.00068%; no homozygotes.

Submission:

Labcorp Genetics (formerly Invitae), Labcorp
Classification: Uncertain significance for Brugada syndrome 7. Last evaluated: 2022-12-07. Review status: criteria provided, single submitter. Criteria: Invitae Variant Classification Sherloc (09022015). Collection method: clinical testing. Allele origin: germline.
Comment: In summary, the available evidence is currently insufficient to determine the role of this variant in disease. Therefore, it has been classified as a Variant of Uncertain Significance. Algorithms developed to predict the effect of missense changes on protein structure and function (SIFT, PolyPhen-2, Align-GVGD) all suggest that this variant is likely to be disruptive. This variant has not been reported in the literature in individuals affected with SCN3B-related conditions. This variant is present in population databases (rs771250397, gnomAD 0.002%). This sequence change replaces threonine, which is neutral and polar, with methionine, which is neutral and non-polar, at codon 58 of the SCN3B protein (p.Thr58Met).